The following is an entry in ClinVar:

NM_003701.4(TNFSF11):c.147C>T (p.Phe49=)

Genes: TNFSF11 (TNF superfamily member 11; plus strand), LOC130009662 (ATAC-STARR-seq lymphoblastoid silent region 5301; plus strand). Cytogenetic location: 13q14.11.
Variant type: single nucleotide variant.
Coding change: c.147C>T on transcript NM_003701.4 (MANE Select); coding-DNA position 147, C replaced by T.
Protein change: p.Phe49=; no amino-acid change (phenylalanine 49 retained).
Molecular consequence: synonymous variant. On other transcripts: intron variant (1).
Genome position (GRCh38, 1-based): chr13:42,574,450, C>T. VCF-style: chr13-42574450-C-T. GRCh37 (hg19) VCF-style: chr13-43148586-C-T.
Other names: c.-1+2712C>T (NM_033012.4).
Identifiers: ClinVar variation 287932 (VCV000287932.20), dbSNP rs61735535, ClinGen allele CA6967138.

ClinVar aggregate classification (germline): Benign. Review status: criteria provided, multiple submitters, no conflicts (2 of 4 stars). 4 submissions from 4 submitters: Benign (4). Last evaluated 2026-02-02.

Conditions:
Autosomal recessive osteopetrosis 2. Also called: OSTEOPETROSIS, MILD AUTOSOMAL RECESSIVE FORM. Identifiers: Orphanet 667, MedGen C1850126, MONDO:0009816, OMIM 259710.

Allele frequency attached by ClinVar (database versions not stated): gnomAD exomes 0.00206; ExAC 0.00282; gnomAD 0.00892 and 0.00938; TOPMed 0.00973; ESP Exome Variant Server 0.00977; 1000 Genomes Project 30x 0.01124; 1000 Genomes Project 0.01178.
gnomAD v4.1: 2,609 of 1,608,166 alleles (0.16%); highest among the groups gnomAD compares: African/African-American, 3%; 38 homozygotes.

Submissions (4):

Labcorp Genetics (formerly Invitae), Labcorp
Classification: Benign. Last evaluated: 2026-02-02. Review status: criteria provided, single submitter. Criteria: Invitae Variant Classification Sherloc (09022015). Collection method: clinical testing. Allele origin: germline.

Illumina Laboratory Services, Illumina
Classification: Benign for Autosomal recessive osteopetrosis 2. Last evaluated: 2018-01-13. Review status: criteria provided, single submitter. Criteria: ICSL Variant Classification Criteria 13 December 2019. Collection method: clinical testing. Allele origin: germline.
Comment: This variant was observed in the ICSL laboratory as part of a predisposition screen in an ostensibly healthy population. It had not been previously curated by ICSL or reported in the Human Gene Mutation Database (HGMD: prior to June 1st, 2018), and was therefore a candidate for classification through an automated scoring system. Utilizing variant allele frequency, disease prevalence and penetrance estimates, and inheritance mode, an automated score was calculated to assess if this variant is too frequent to cause the disease. Based on the score and internal cut-off values, a variant classified as benign is not then subjected to further curation. The score for this variant resulted in a classification of benign for this disease.

Eurofins Ntd Llc (ga)
Classification: Benign. Last evaluated: 2016-06-01. Review status: criteria provided, single submitter. Criteria: EGL Classification Definitions 2015. Collection method: clinical testing. Allele origin: germline. Observed: 1 variant allele, 1 heterozygote.

Breakthrough Genomics
Classification: Benign. Review status: criteria provided, single submitter. Criteria: ACMG Guidelines, 2015. Collection method: not provided. Allele origin: germline. Inheritance: Autosomal recessive inheritance. Affected: yes.